The following is an entry in ClinVar:

ClinVar aggregate classification (germline): Likely benign. Review status: reviewed by expert panel (3 of 4 stars). 3 submissions from 3 submitters: Likely benign (1). 2 of the submissions do not count toward it. Last evaluated 2026-04-29.

Conditions:
Inborn genetic diseases. Identifiers: MedGen C0950123, MeSH D030342.
Hereditary thrombocytopenia and hematologic cancer predisposition syndrome. Identifiers: Orphanet 71290, MedGen CN281654, MONDO:0011071.
Hereditary thrombocytopenia and hematological cancer predisposition syndrome associated with RUNX1. Also called: Familial Platelet Disorder with Propensity to Acute Myelogenous Leukemia; Familial thrombocytopenia with propensity to acute myelogenous leukemia; PLATELET DISORDER, ASPIRIN-LIKE; RUNX1 Familial Platelet Disorder with Associated Myeloid Malignancies. Identifiers: Orphanet 71290, MedGen C1832388, MeSH C563324, MONDO:0100083, OMIM 601399.

Submissions (3):

ClinGen Myeloid Malignancy Variant Curation Expert Panel
Classification: Likely benign for Hereditary thrombocytopenia and hematologic cancer predisposition syndrome. Last evaluated: 2026-04-29. Review status: reviewed by expert panel. Criteria: ClinGen MyeloMalig ACMG Specifications V3.1. Collection method: curation. Allele origin: germline. Inheritance: Autosomal dominant inheritance.
Comment: NM_001754.5(RUNX1):c.1194C>T (p.Ala398=) is a synonymous variant which has a SpliceAI score ≤ 0.20 (0.0) (BP4, BP7). This variant is completely absent from all population databases with at least 20x coverage for RUNX1 (PM2_supporting). In summary, this variant meets criteria to be classified as likely benign. ACMG/AMP criteria applied, as specified by the Myeloid Malignancy Variant Curation Expert Panel for RUNX1: BP4, BP7, PM2_supporting.

Ambry Genetics
Classification: Likely benign for Inborn genetic diseases. Last evaluated: 2025-07-04. Review status: criteria provided, single submitter. Criteria: Ambry Variant Classification Scheme 2023. Collection method: clinical testing. Allele origin: germline. Not counted in ClinVar's aggregate classification.

Labcorp Genetics (formerly Invitae), Labcorp
Classification: Likely benign for Hereditary thrombocytopenia and hematological cancer predisposition syndrome associated with RUNX1. Last evaluated: 2019-08-27. Review status: criteria provided, single submitter. Criteria: Invitae Variant Classification Sherloc (09022015). Collection method: clinical testing. Allele origin: germline. Not counted in ClinVar's aggregate classification.

NM_001754.5(RUNX1):c.1194C>T (p.Ala398=)

Gene: RUNX1 (RUNX family transcription factor 1; minus strand). Cytogenetic location: 21q22.12.
Variant type: single nucleotide variant.
Coding change: c.1194C>T on transcript NM_001754.5 (MANE Select); coding-DNA position 1194, C replaced by T.
Protein change: p.Ala398=; no amino-acid change (alanine 398 retained).
Molecular consequence: synonymous variant.
Genome position (GRCh38, 1-based): chr21:34,792,384, G>A on the plus strand (C>T on the coding strand, the complement: RUNX1 is on the minus strand). VCF-style: chr21-34792384-G-A. GRCh37 (hg19) VCF-style: chr21-36164681-G-A.
Other names: NM_001754.5(RUNX1):c.1194C>T; p.Ala398=; c.1113C>T, p.Ala371= (NM_001001890.3); c.1194C>T (NM_001754.4).
Identifiers: ClinVar variation 1130934 (VCV001130934.14), dbSNP rs2145875601, ClinGen allele CA512341235.